The following is an entry in ClinVar:

NM_000535.7(PMS2):c.700A>T (p.Lys234Ter)

Gene: PMS2 (PMS1 homolog 2, mismatch repair system component; minus strand). Cytogenetic location: 7p22.1.
Variant type: single nucleotide variant.
Coding change: c.700A>T on transcript NM_000535.7 (MANE Select); coding-DNA position 700, A replaced by T.
Protein change: p.Lys234Ter; replaces lysine 234 with a stop codon.
Molecular consequence: nonsense. On other transcripts: 5 prime UTR variant (2), non-coding transcript variant (1), intron variant (1).
Genome position (GRCh38, 1-based): chr7:5,999,113, T>A on the plus strand (A>T on the coding strand, the complement: PMS2 is on the minus strand). VCF-style: chr7-5999113-T-A. GRCh37 (hg19) VCF-style: chr7-6038744-T-A.
Other names: c.295A>T, p.Lys99Ter (NM_001018040.1, NM_001322003.2, NM_001322004.2 and 20 more transcripts); c.700A>T, p.Lys234Ter (NM_001322006.2, NM_001322014.2, NM_001406870.1 and 4 more transcripts); c.382A>T, p.Lys128Ter (NM_001322007.2, NM_001322008.2, NM_001406876.1 and 4 more transcripts); c.-234A>T (NM_001322011.2, NM_001322012.2); c.391A>T, p.Lys131Ter (NM_001322015.2, NM_001406875.1, NM_001406877.1 and 6 more transcripts); c.886A>T, p.Lys296Ter (NM_001406866.1); c.724A>T, p.Lys242Ter (NM_001406868.1); c.364A>T, p.Lys122Ter (NM_001406885.1); and 1 more; short protein forms K122*, K99*, K128*, K131*, K296*, K234*, K242*.
Identifiers: ClinVar variation 1756662 (VCV001756662.2), dbSNP rs1554302295, ClinGen allele CA366743818.

ClinVar aggregate classification (germline): Pathogenic (1 of 4 stars; one submission).

Conditions:
Hereditary cancer-predisposing syndrome. Also called: Neoplastic Syndromes, Hereditary; Tumor predisposition; Hereditary Cancer Syndrome; Hereditary neoplastic syndrome. Identifiers: Orphanet 140162, MedGen C0027672, MeSH D009386, MONDO:0015356.

Submission:

Ambry Genetics
Classification: Pathogenic for Hereditary cancer-predisposing syndrome. Last evaluated: 2019-05-01. Review status: criteria provided, single submitter. Criteria: Ambry Variant Classification Scheme 2023. Collection method: clinical testing. Allele origin: germline.
Comment: The p.K234* pathogenic mutation (also known as c.700A>T), located in coding exon 6 of the PMS2 gene, results from an A to T substitution at nucleotide position 700. This changes the amino acid from a lysine to a stop codon within coding exon 6. This alteration is expected to result in loss of function by premature protein truncation or nonsense-mediated mRNA decay. As such, this alteration is interpreted as a disease-causing mutation.